The following is an entry in ClinVar:

ClinVar aggregate classification (germline): Likely pathogenic (1 of 4 stars; one submission).

Conditions:
Hereditary cancer-predisposing syndrome. Also called: Neoplastic Syndromes, Hereditary; Tumor predisposition; Hereditary Cancer Syndrome; Hereditary neoplastic syndrome. Identifiers: Orphanet 140162, MedGen C0027672, MeSH D009386, MONDO:0015356.

Submission:

Ambry Genetics
Classification: Likely pathogenic for Hereditary cancer-predisposing syndrome. Last evaluated: 2026-03-06. Review status: criteria provided, single submitter. Criteria: Ambry Variant Classification Scheme 2023. Collection method: clinical testing. Allele origin: germline.
Comment: The p.L242R variant (also known as c.725T>G), located in coding exon 5 of the FH gene, results from a T to G substitution at nucleotide position 725. The leucine at codon 242 is replaced by arginine, an amino acid with dissimilar properties. This variant was reported in individual(s) with features consistent with FH-related tumor predisposition (Ambry internal data). This amino acid position is highly conserved in available vertebrate species. In addition, this alteration is predicted to be deleterious by in silico analysis. Based on the majority of available evidence to date, this variant is likely to be pathogenic.

NM_000143.4(FH):c.725T>G (p.Leu242Arg)

Gene: FH (fumarate hydratase; minus strand). Cytogenetic location: 1q43.
Variant type: single nucleotide variant.
Coding change: c.725T>G on transcript NM_000143.4 (MANE Select); coding-DNA position 725, T replaced by G.
Protein change: p.Leu242Arg; replaces leucine 242 with arginine.
Molecular consequence: missense variant.
Genome position (GRCh38, 1-based): chr1:241,508,616, A>C on the plus strand (T>G on the coding strand, the complement: FH is on the minus strand). VCF-style: chr1-241508616-A-C. GRCh37 (hg19) VCF-style: chr1-241671916-A-C.
Other names: short protein forms L242R.
Identifiers: ClinVar variation 4827308 (VCV004827308.1).